The following is an entry in ClinVar:

ClinVar aggregate classification (germline): Uncertain significance. Review status: criteria provided, multiple submitters, no conflicts (2 of 4 stars). 3 submissions from 3 submitters: Uncertain significance (3). Last evaluated 2026-01-24.

Conditions:
Familial cancer of breast. Also called: hereditary breast carcinoma; BREAST CANCER, FAMILIAL; Hereditary breast cancer. Identifiers: Orphanet 227535, MedGen C0346153, MONDO:0016419, OMIM 114480. Disease mechanism: loss of function.
Hereditary cancer-predisposing syndrome. Also called: Tumor predisposition; Neoplastic Syndromes, Hereditary; Hereditary neoplastic syndrome; Hereditary Cancer Syndrome. Identifiers: Orphanet 140162, MedGen C0027672, MeSH D009386, MONDO:0015356.

Allele frequency attached by ClinVar (database versions not stated): gnomAD exomes below 0.00001; gnomAD 0.00001.
gnomAD v4.1: 5 of 1,594,492 alleles (0.00031%); highest among the groups gnomAD compares: Middle Eastern, 0.045%; no homozygotes.

Submissions (3):

Labcorp Genetics (formerly Invitae), Labcorp
Classification: Uncertain significance for Familial cancer of breast. Last evaluated: 2026-01-24. Review status: criteria provided, single submitter. Criteria: Invitae Variant Classification Sherloc (09022015). Collection method: clinical testing. Allele origin: germline.
Comment: This sequence change replaces proline, which is neutral and non-polar, with threonine, which is neutral and polar, at codon 515 of the CHEK2 protein (p.Pro515Thr). The frequency data for this variant in the population databases is considered unreliable, as metrics indicate poor data quality at this position in the gnomAD database. This variant has not been reported in the literature in individuals affected with CHEK2-related conditions. ClinVar contains an entry for this variant (Variation ID: 630769). An algorithm developed to predict the effect of missense changes on protein structure and function outputs the following: PolyPhen-2: "Benign". The threonine amino acid residue is found in multiple mammalian species, which suggests that this missense change does not adversely affect protein function. In summary, the available evidence is currently insufficient to determine the role of this variant in disease. Therefore, it has been classified as a Variant of Uncertain Significance.

Ambry Genetics
Classification: Uncertain significance for Hereditary cancer-predisposing syndrome. Last evaluated: 2025-08-02. Review status: criteria provided, single submitter. Criteria: Ambry Variant Classification Scheme 2023. Collection method: clinical testing. Allele origin: germline.
Comment: The p.P515T variant (also known as c.1543C>A), located in coding exon 14 of the CHEK2 gene, results from a C to A substitution at nucleotide position 1543. This variant impacts the first base pair of coding exon 14. The proline at codon 515 is replaced by threonine, an amino acid with highly similar properties. This amino acid position is not well conserved in available vertebrate species. In addition, this alteration is predicted to be tolerated by in silico analysis. Since supporting evidence is limited at this time, the clinical significance of this alteration remains unclear.

Color Diagnostics, LLC DBA Color Health
Classification: Uncertain significance for Hereditary cancer-predisposing syndrome. Last evaluated: 2020-06-29. Review status: criteria provided, single submitter. Criteria: ACMG Guidelines, 2015. Collection method: clinical testing. Allele origin: germline.
Comment: This missense variant replaces proline with threonine at codon 515 of the CHEK2 protein. Computational prediction suggests that this variant may not impact protein structure and function (internally defined REVEL score threshold <= 0.5, PMID: 27666373). To our knowledge, functional studies have not been reported for this variant. This variant has not been reported in individuals affected with hereditary cancer in the literature. This variant has been identified in 1/231812 chromosomes in the general population by the Genome Aggregation Database (gnomAD). The available evidence is insufficient to determine the role of this variant in disease conclusively. Therefore, this variant is classified as a Variant of Uncertain Significance.

NM_007194.4(CHEK2):c.1543C>A (p.Pro515Thr)

Gene: CHEK2 (checkpoint kinase 2; minus strand). Cytogenetic location: 22q12.1.
Variant type: single nucleotide variant.
Coding change: c.1543C>A on transcript NM_007194.4 (MANE Select); coding-DNA position 1543, C replaced by A.
Protein change: p.Pro515Thr; replaces proline 515 with threonine.
Molecular consequence: missense variant.
Genome position (GRCh38, 1-based): chr22:28,687,986, G>T on the plus strand (C>A on the coding strand, the complement: CHEK2 is on the minus strand). VCF-style: chr22-28687986-G-T. GRCh37 (hg19) VCF-style: chr22-29083974-G-T.
Other names: c.1672C>A, p.Pro558Thr (NM_001005735.3); c.880C>A, p.Pro294Thr (NM_001257387.3); c.1342C>A, p.Pro448Thr (NM_001349956.3); c.1456C>A, p.Pro486Thr (NM_145862.3); short protein forms P515T, P294T, P486T, P558T, P448T.
Identifiers: ClinVar variation 630769 (VCV000630769.14), dbSNP rs1399879170, ClinGen allele CA411091529.